The following is an entry in ClinVar:

NM_004646.4(NPHS1):c.397+1G>C

Gene: NPHS1 (NPHS1 adhesion molecule, nephrin; minus strand). Cytogenetic location: 19q13.12.
Variant type: single nucleotide variant.
Coding change: c.397+1G>C on transcript NM_004646.4 (MANE Select); the canonical splice donor site of the intron after coding-DNA position 397, G replaced by C.
Molecular consequence: splice donor variant.
Genome position (GRCh38, 1-based): chr19:35,851,261, C>G on the plus strand (G>C on the coding strand, the complement: NPHS1 is on the minus strand). VCF-style: chr19-35851261-C-G. GRCh37 (hg19) VCF-style: chr19-36342163-C-G.
Identifiers: ClinVar variation 2677328 (VCV002677328.5), dbSNP rs756244380, ClinGen allele CA9390825.
Genomic context (GRCh38, chr19:35,851,261, plus strand): 5'-TGCGGGGTAGGGGAGGGCTTGAAGCCCAGACTCATGGGTCCTGGGCGTCTCTCACCCATA[C>G]CCAGGATGGAGAGGATCACTCTGGGAGACACGAGCTCGGGCCCCATCTCAGAGCGGCCGA-3'

ClinVar aggregate classification (germline): Likely pathogenic. Review status: criteria provided, multiple submitters, no conflicts (2 of 4 stars). 2 submissions from 2 submitters: Likely pathogenic (2). Last evaluated 2023-12-04.

Conditions:
Finnish congenital nephrotic syndrome (NPHS1). Also called: NEPHROTIC SYNDROME, TYPE 1. Identifiers: Orphanet 839, MedGen C0403399, MONDO:0009732, OMIM 256300.

Allele frequency attached by ClinVar (database versions not stated): TOPMed below 0.00001; gnomAD exomes 0.00001; ExAC 0.00002.
gnomAD v4.1: 10 of 1,613,984 alleles (0.00062%); highest among the groups gnomAD compares: Non-Finnish European, 0.00085%; no homozygotes.

Submissions (2):

Labcorp Genetics (formerly Invitae), Labcorp
Classification: Likely pathogenic. Last evaluated: 2023-12-04. Review status: criteria provided, single submitter. Criteria: Invitae Variant Classification Sherloc (09022015). Collection method: clinical testing. Allele origin: germline.
Comment: This sequence change affects a donor splice site in intron 3 of the NPHS1 gene. It is expected to disrupt RNA splicing. Variants that disrupt the donor or acceptor splice site typically lead to a loss of protein function (PMID: 16199547), and loss-of-function variants in NPHS1 are known to be pathogenic (PMID: 11317351, 11854170, 12039988). This variant is present in population databases (rs756244380, gnomAD 0.002%). This variant has not been reported in the literature in individuals affected with NPHS1-related conditions. Algorithms developed to predict the effect of sequence changes on RNA splicing suggest that this variant may disrupt the consensus splice site. In summary, the currently available evidence indicates that the variant is pathogenic, but additional data are needed to prove that conclusively. Therefore, this variant has been classified as Likely Pathogenic.

Baylor Genetics
Classification: Likely pathogenic for Finnish congenital nephrotic syndrome. Last evaluated: 2023-11-10. Review status: criteria provided, single submitter. Criteria: ACMG Guidelines, 2015. Collection method: clinical testing. Allele origin: unknown.

Literature cited by the submitters: PubMed 16199547 (cited by Labcorp Genetics (formerly Invitae), Labcorp); PubMed 11317351 (cited by Labcorp Genetics (formerly Invitae), Labcorp); PubMed 11854170 (cited by Labcorp Genetics (formerly Invitae), Labcorp); PubMed 12039988 (cited by Labcorp Genetics (formerly Invitae), Labcorp).